The following is an entry in ClinVar:

NM_006005.3(WFS1):c.1048T>A (p.Phe350Ile)

Gene: WFS1 (wolframin ER transmembrane glycoprotein; plus strand). Cytogenetic location: 4p16.1.
Variant type: single nucleotide variant.
Coding change: c.1048T>A on transcript NM_006005.3 (MANE Select); coding-DNA position 1048, T replaced by A.
Protein change: p.Phe350Ile; replaces phenylalanine 350 with isoleucine.
Molecular consequence: missense variant.
Genome position (GRCh38, 1-based): chr4:6,300,843, T>A. VCF-style: chr4-6300843-T-A. GRCh37 (hg19) VCF-style: chr4-6302570-T-A.
Other names: c.1048T>A, p.Phe350Ile (NM_001145853.1); short protein forms F350I.
Identifiers: ClinVar variation 3718608 (VCV003718608.2).

ClinVar aggregate classification (germline): Likely pathogenic (1 of 4 stars; one submission).

gnomAD v4.1: 1 of 1,614,096 alleles (0.000062%); highest among the groups gnomAD compares: African/African-American, 0.0013%; no homozygotes.

Submission:

Labcorp Genetics (formerly Invitae), Labcorp
Classification: Likely pathogenic. Last evaluated: 2025-07-28. Review status: criteria provided, single submitter. Criteria: Invitae Variant Classification Sherloc (09022015). Collection method: clinical testing. Allele origin: germline.
Comment: This sequence change replaces phenylalanine, which is neutral and non-polar, with isoleucine, which is neutral and non-polar, at codon 350 of the WFS1 protein (p.Phe350Ile). This variant is not present in population databases (gnomAD no frequency). This missense change has been observed in individual(s) with clinical features of Wolfram syndrome (PMID: 31391115; internal data). In at least one individual the data is consistent with being in trans (on the opposite chromosome) from a pathogenic variant. ClinVar contains an entry for this variant (Variation ID: 3718608). Invitae Evidence Modeling of protein sequence and biophysical properties (such as structural, functional, and spatial information, amino acid conservation, physicochemical variation, residue mobility, and thermodynamic stability) has been performed for this missense variant. However, the output from this modeling did not meet the statistical confidence thresholds required to predict the impact of this variant on WFS1 protein function. In summary, the currently available evidence indicates that the variant is pathogenic, but additional data are needed to prove that conclusively. Therefore, this variant has been classified as Likely Pathogenic.

Literature cited by the submitters: PubMed 31391115.